The following is an entry in ClinVar:

ClinVar aggregate classification (germline): Likely pathogenic (1 of 4 stars; one submission).

Submission:

Labcorp Genetics (formerly Invitae), Labcorp
Classification: Likely pathogenic. Last evaluated: 2023-08-10. Review status: criteria provided, single submitter. Criteria: Invitae Variant Classification Sherloc (09022015). Collection method: clinical testing. Allele origin: germline.
Comment: In summary, the currently available evidence indicates that the variant is pathogenic, but additional data are needed to prove that conclusively. Therefore, this variant has been classified as Likely Pathogenic. Algorithms developed to predict the effect of sequence changes on RNA splicing suggest that this variant may disrupt the consensus splice site. This variant has not been reported in the literature in individuals affected with DMXL2-related conditions. This variant is not present in population databases (gnomAD no frequency). This sequence change affects a donor splice site in intron 38 of the DMXL2 gene. It is expected to disrupt RNA splicing. Variants that disrupt the donor or acceptor splice site typically lead to a loss of protein function (PMID: 16199547), and loss-of-function variants in DMXL2 are known to be pathogenic (PMID: 30237576, 31688942).

Literature cited by the submitters: PubMed 16199547; PubMed 30237576; PubMed 31688942.

NM_001378457.1(DMXL2):c.8526+2T>C

Gene: DMXL2 (Dmx like 2; minus strand). Cytogenetic location: 15q21.2.
Variant type: single nucleotide variant.
Coding change: c.8526+2T>C on transcript NM_001378457.1 (MANE Select); the canonical splice donor site of the intron after coding-DNA position 8526, T replaced by C.
Molecular consequence: splice donor variant.
Genome position (GRCh38, 1-based): chr15:51,456,064, A>G on the plus strand (T>C on the coding strand, the complement: DMXL2 is on the minus strand). VCF-style: chr15-51456064-A-G. GRCh37 (hg19) VCF-style: chr15-51748261-A-G.
Other names: c.6441+2T>C (NM_001378460.1); c.6552+2T>C (NM_001174117.3); c.8460+2T>C (NM_015263.5); c.8523+2T>C (NM_001378458.1); c.8238+2T>C (NM_001378459.1); c.8463+2T>C (NM_001174116.3).
Identifiers: ClinVar variation 2751554 (VCV002751554.3), dbSNP rs2542980248, ClinGen allele CA392433475.